The following is an entry in ClinVar:

NM_001330260.2(SCN8A):c.5918_5919del (p.Lys1973fs)

Gene: SCN8A (sodium voltage-gated channel alpha subunit 8; plus strand). Cytogenetic location: 12q13.13.
Variant type: Deletion.
Coding change: c.5918_5919del on transcript NM_001330260.2 (MANE Select); coding-DNA positions 5918 to 5919, 2 bases deleted (AA; older notation c.5918_5919delAA).
Protein change: p.Lys1973fs; shifts the reading frame from lysine 1973.
Molecular consequence: frameshift variant.
Genome position (GRCh38, 1-based): chr12:51,807,404-51,807,405, AA deleted; deleting any 2 consecutive bases within chr12:51,807,401-51,807,405 gives the same sequence; the c. name uses the placement nearest the transcript's 3' end. VCF-style (leftmost placement, unchanged base first): chr12-51807400-CAA-C. GRCh37 (hg19) VCF-style: chr12-52201184-CAA-C.
Other names: c.5795_5796del, p.Lys1932fs (NM_001177984.3, NM_001369788.1); c.5918_5919del, p.Lys1973fs (NM_014191.4); short protein forms K1932fs, K1973fs.
Identifiers: ClinVar variation 5017933 (VCV005017933.1).

ClinVar aggregate classification (germline): Uncertain significance (1 of 4 stars; one submission).

Submission:

GeneDx
Classification: Uncertain significance. Last evaluated: 2026-03-30. Review status: criteria provided, single submitter. Criteria: GeneDx Variant Classification Process June 2021. Collection method: clinical testing. Allele origin: germline.
Comment: Not observed at significant frequency in large population cohorts (gnomAD); Frameshift variant predicted to result in abnormal protein length as the last 8 amino acid(s) are replaced with 23 different amino acid(s); Has not been previously published as pathogenic or benign to our knowledge